The following is an entry in ClinVar:

ClinVar aggregate classification (germline): Uncertain significance. Review status: reviewed by expert panel (3 of 4 stars). 3 submissions from 3 submitters: Uncertain significance (1). 2 of the submissions do not count toward it. Last evaluated 2025-05-02.

Conditions:
Hereditary thrombocytopenia and hematologic cancer predisposition syndrome. Identifiers: Orphanet 71290, MedGen CN281654, MONDO:0011071.
Inborn genetic diseases. Identifiers: MedGen C0950123, MeSH D030342.
Hereditary thrombocytopenia and hematological cancer predisposition syndrome associated with RUNX1. Also called: Familial Platelet Disorder with Propensity to Acute Myelogenous Leukemia; Familial thrombocytopenia with propensity to acute myelogenous leukemia; PLATELET DISORDER, ASPIRIN-LIKE; RUNX1 Familial Platelet Disorder with Associated Myeloid Malignancies. Identifiers: Orphanet 71290, MedGen C1832388, MeSH C563324, MONDO:0100083, OMIM 601399.

gnomAD v4.1: 2 of 1,566,616 alleles (0.00013%); highest among the groups gnomAD compares: Non-Finnish European, 0.00017%; no homozygotes.

Submissions (3):

ClinGen Myeloid Malignancy Variant Curation Expert Panel
Classification: Uncertain significance for Hereditary thrombocytopenia and hematologic cancer predisposition syndrome. Last evaluated: 2025-05-02. Review status: reviewed by expert panel. Criteria: ClinGen MyeloMalig ACMG Specifications v2. Collection method: curation. Allele origin: germline. Inheritance: Autosomal dominant inheritance.
Comment: NM_001754.5(RUNX1):c.1173G>A (p.Ala391=) is a synonymous variant which does not meet any ACMG/AMP criteria. In summary, the clinical significance of this variant is uncertain. ACMG/AMP criteria applied, as specified by the Myeloid Malignancy Variant Curation Expert Panel for RUNX1: None.

Ambry Genetics
Classification: Likely benign for Inborn genetic diseases. Last evaluated: 2026-03-03. Review status: criteria provided, single submitter. Criteria: Ambry Variant Classification Scheme 2023. Collection method: clinical testing. Allele origin: germline. Not counted in ClinVar's aggregate classification.

Labcorp Genetics (formerly Invitae), Labcorp
Classification: Likely benign for Hereditary thrombocytopenia and hematological cancer predisposition syndrome associated with RUNX1. Last evaluated: 2024-02-06. Review status: criteria provided, single submitter. Criteria: Invitae Variant Classification Sherloc (09022015). Collection method: clinical testing. Allele origin: germline. Not counted in ClinVar's aggregate classification.

NM_001754.5(RUNX1):c.1173G>A (p.Ala391=)

Gene: RUNX1 (RUNX family transcription factor 1; minus strand). Cytogenetic location: 21q22.12.
Variant type: single nucleotide variant.
Coding change: c.1173G>A on transcript NM_001754.5 (MANE Select); coding-DNA position 1173, G replaced by A.
Protein change: p.Ala391=; no amino-acid change (alanine 391 retained).
Molecular consequence: synonymous variant.
Genome position (GRCh38, 1-based): chr21:34,792,405, C>T on the plus strand (G>A on the coding strand, the complement: RUNX1 is on the minus strand). VCF-style: chr21-34792405-C-T. GRCh37 (hg19) VCF-style: chr21-36164702-C-T.
Other names: NM_001754.5(RUNX1):c.1173G>A; p.Ala391=; c.1092G>A, p.Ala364= (NM_001001890.3).
Identifiers: ClinVar variation 3671857 (VCV003671857.4).